The following is an entry in ClinVar:

ClinVar aggregate classification (germline): Uncertain significance (1 of 4 stars; one submission).

gnomAD v4.1: 1 of 1,614,048 alleles (0.000062%); highest among the groups gnomAD compares: African/African-American, 0.0013%; no homozygotes.

Submission:

GeneDx
Classification: Uncertain significance. Last evaluated: 2024-12-04. Review status: criteria provided, single submitter. Criteria: GeneDx Variant Classification Process June 2021. Collection method: clinical testing. Allele origin: germline. Affected: yes.
Comment: Not observed at significant frequency in large population cohorts (gnomAD); In silico analysis indicates that this missense variant does not alter protein structure/function; Has not been previously published as pathogenic or benign to our knowledge; This variant is associated with the following publications: (PMID: 18184292)

NM_000702.4(ATP1A2):c.1837G>T (p.Val613Leu)

Gene: ATP1A2 (ATPase Na+/K+ transporting subunit alpha 2; plus strand). Cytogenetic location: 1q23.2.
Variant type: single nucleotide variant.
Coding change: c.1837G>T on transcript NM_000702.4 (MANE Select); coding-DNA position 1837, G replaced by T.
Protein change: p.Val613Leu; replaces valine 613 with leucine.
Molecular consequence: missense variant.
Genome position (GRCh38, 1-based): chr1:160,134,493, G>T. VCF-style: chr1-160134493-G-T. GRCh37 (hg19) VCF-style: chr1-160104283-G-T.
Other names: short protein forms V613L.
Identifiers: ClinVar variation 3901313 (VCV003901313.1).